The following is an entry in ClinVar:

NM_001128840.3(CACNA1D):c.5836C>A (p.Arg1946Ser)

Gene: CACNA1D (calcium voltage-gated channel subunit alpha1 D; plus strand). Cytogenetic location: 3p21.1.
Variant type: single nucleotide variant.
Coding change: c.5836C>A on transcript NM_001128840.3 (MANE Select); coding-DNA position 5836, C replaced by A.
Protein change: p.Arg1946Ser; replaces arginine 1946 with serine.
Molecular consequence: missense variant.
Genome position (GRCh38, 1-based): chr3:53,808,735, C>A. VCF-style: chr3-53808735-C-A. GRCh37 (hg19) VCF-style: chr3-53842762-C-A.
Other names: c.5896C>A, p.Arg1966Ser (NM_000720.4); c.5764C>A, p.Arg1922Ser (NM_001128839.3); short protein forms R1922S, R1946S, R1966S.
Identifiers: ClinVar variation 1503730 (VCV001503730.8), dbSNP rs1394931346, ClinGen allele CA353256257.

ClinVar aggregate classification (germline): Uncertain significance (1 of 4 stars; one submission).

gnomAD v4.1: 2 of 1,608,606 alleles (0.00012%); highest among the groups gnomAD compares: Non-Finnish European, 0.000085%; no homozygotes.

Submission:

Labcorp Genetics (formerly Invitae), Labcorp
Classification: Uncertain significance. Last evaluated: 2022-03-19. Review status: criteria provided, single submitter. Criteria: Invitae Variant Classification Sherloc (09022015). Collection method: clinical testing. Allele origin: germline.
Comment: In summary, the available evidence is currently insufficient to determine the role of this variant in disease. Therefore, it has been classified as a Variant of Uncertain Significance. Algorithms developed to predict the effect of sequence changes on RNA splicing suggest that this variant may create or strengthen a splice site. Algorithms developed to predict the effect of missense changes on protein structure and function are either unavailable or do not agree on the potential impact of this missense change (SIFT: "Deleterious"; PolyPhen-2: "Benign"; Align-GVGD: "Class C0"). This variant has not been reported in the literature in individuals affected with CACNA1D-related conditions. This variant is not present in population databases (gnomAD no frequency). This sequence change replaces arginine, which is basic and polar, with serine, which is neutral and polar, at codon 1966 of the CACNA1D protein (p.Arg1966Ser).